The following is an entry in ClinVar:

ClinVar aggregate classification (germline): Uncertain significance (1 of 4 stars; one submission).

Allele frequency attached by ClinVar (database versions not stated): ExAC 0.00002; TOPMed 0.00004; gnomAD 0.00005; 1000 Genomes Project 30x 0.00031; 1000 Genomes Project 0.00040.
gnomAD v4.1: 22 of 1,614,208 alleles (0.0014%); highest among the groups gnomAD compares: African/African-American, 0.017%; no homozygotes.

Submission:

Labcorp Genetics (formerly Invitae), Labcorp
Classification: Uncertain significance. Last evaluated: 2024-05-22. Review status: criteria provided, single submitter. Criteria: Invitae Variant Classification Sherloc (09022015). Collection method: clinical testing. Allele origin: germline.
Comment: This sequence change replaces glutamic acid, which is acidic and polar, with lysine, which is basic and polar, at codon 1069 of the CTR9 protein (p.Glu1069Lys). This variant is present in population databases (rs150955197, gnomAD 0.03%). This variant has not been reported in the literature in individuals affected with CTR9-related conditions. ClinVar contains an entry for this variant (Variation ID: 2084703). An algorithm developed to predict the effect of missense changes on protein structure and function (PolyPhen-2) suggests that this variant is likely to be tolerated. In summary, the available evidence is currently insufficient to determine the role of this variant in disease. Therefore, it has been classified as a Variant of Uncertain Significance.

NM_014633.5(CTR9):c.3205G>A (p.Glu1069Lys)

Gene: CTR9 (CTR9 component of Paf1/RNA polymerase II complex; plus strand). Cytogenetic location: 11p15.4.
Variant type: single nucleotide variant.
Coding change: c.3205G>A on transcript NM_014633.5 (MANE Select); coding-DNA position 3205, G replaced by A.
Protein change: p.Glu1069Lys; replaces glutamic acid 1069 with lysine.
Molecular consequence: missense variant.
Genome position (GRCh38, 1-based): chr11:10,778,788, G>A. VCF-style: chr11-10778788-G-A. GRCh37 (hg19) VCF-style: chr11-10800335-G-A.
Other names: c.3133G>A, p.Glu1045Lys (NM_001346279.2); short protein forms E1045K, E1069K.
Identifiers: ClinVar variation 2084703 (VCV002084703.4), dbSNP rs150955197, ClinGen allele CA5885540.